The following is an entry in ClinVar:

NM_001466.4(FZD2):c.342T>A (p.Cys114Ter)

Gene: FZD2 (frizzled class receptor 2; plus strand). Cytogenetic location: 17q21.31.
Variant type: single nucleotide variant.
Coding change: c.342T>A on transcript NM_001466.4 (MANE Select); coding-DNA position 342, T replaced by A.
Protein change: p.Cys114Ter; replaces cysteine 114 with a stop codon.
Molecular consequence: nonsense.
Genome position (GRCh38, 1-based): chr17:44,558,030, T>A. VCF-style: chr17-44558030-T-A. GRCh37 (hg19) VCF-style: chr17-42635398-T-A.
Other names: short protein forms C114*.
Identifiers: ClinVar variation 4531658 (VCV004531658.1).
Genomic context (GRCh38, chr17:44,558,030, plus strand): 5'-CATGTACGCACCCGTGTGCACCGTGCTGGAACAGGCCATCCCGCCGTGCCGCTCTATCTG[T>A]GAGCGCGCGCGCCAGGGCTGCGAAGCCCTCATGAACAAGTTCGGTTTTCAGTGGCCCGAG-3'

ClinVar aggregate classification (germline): Uncertain significance (1 of 4 stars; one submission).

Conditions:
Autosomal dominant omodysplasia. Identifiers: Orphanet 2733, Orphanet 93328, MedGen C2750355, MONDO:0008123, OMIM 164745.

Submission:

Victorian Clinical Genetics Services, Murdoch Childrens Research Institute
Classification: Uncertain significance for Autosomal dominant omodysplasia. Last evaluated: 2025-03-28. Review status: criteria provided, single submitter. Criteria: ACMG Guidelines, 2015. Collection method: clinical testing. Allele origin: germline. Affected: no.
Comment: This variant is classified as VUS-3B. Evidence in support of pathogenic classification: Variant is predicted to result in a truncated protein (premature termination codon is NOT located at least 54 nucleotides upstream of the final exon-exon junction) with at least 1/3 of the protein sequence affected; Variant is present in gnomAD <0.001 for a dominant condition (v4: 1 heterozygote(s), 0 homozygote(s)). Additional information: This variant is heterozygous; This gene is associated with autosomal dominant disease; This variant has no previous evidence of pathogenicity; No published segregation evidence has been identified for this variant; No published functional evidence has been identified for this variant; Other protein truncating variant(s) comparable to the one identified in this case have inconclusive previous evidence for pathogenicity. p.(Gln119Alafs*8) has been classified as a VUS by a clinical laboratory in ClinVar, identified in an individual with short stature (Invitae personal correspondence). p.(Phe130Cysfs*98), p.(Trp377*), p.(Ser547*), p.(Trp548*) and p.(Trp548Profs*8) have been reported in affected individuals (PMIDs: 35047859, 25759469, 29276006, ClinVar); however, the mechanism of disease of these variants is likely to be different to p.(Cys114*); Variant is predicted to truncate part of the annotated Fz domain and all of the frizzled/smoothened family membrane region domain (DECIPHER); The mechanism of disease for this gene is not clearly established. Dominant negative is a suggested mechanism of disease for truncating and missense variants affecting the C-terminal domain (PMIDs: 25759469, 36789910, 38967226). Additionally, dominant negative has also been reported for a missense variant in the cysteine-rich domain (PMIDs: 38967226). Haploinsufficiency is not established, with whole gene deletions reported in unaffected individuals and individuals without FZD2-related phenotypes (PMIDs: 19900272, 21525063, DECIPHER).

Literature cited by the submitters: PubMed 38967226; PubMed 35047859; PubMed 29276006; PubMed 36789910; PubMed 21525063; PubMed 19900272; PubMed 25759469.